The following is an entry in ClinVar:

NM_000057.4(BLM):c.4115A>G (p.Lys1372Arg)

Gene: BLM (BLM RecQ like helicase; plus strand). Cytogenetic location: 15q26.1.
Variant type: single nucleotide variant.
Coding change: c.4115A>G on transcript NM_000057.4 (MANE Select); coding-DNA position 4115, A replaced by G.
Protein change: p.Lys1372Arg; replaces lysine 1372 with arginine.
Molecular consequence: missense variant.
Genome position (GRCh38, 1-based): chr15:90,815,140, A>G. VCF-style: chr15-90815140-A-G. GRCh37 (hg19) VCF-style: chr15-91358370-A-G.
Other names: c.4115A>G, p.Lys1372Arg (NM_001287246.2); c.3722A>G, p.Lys1241Arg (NM_001287247.2); c.2990A>G, p.Lys997Arg (NM_001287248.2); short protein forms K1241R, K1372R, K997R.
Identifiers: ClinVar variation 2452534 (VCV002452534.2), dbSNP rs2505575201, ClinGen allele CA393852172.

ClinVar aggregate classification (germline): Uncertain significance (1 of 4 stars; one submission).

Conditions:
Hereditary cancer-predisposing syndrome. Also called: Neoplastic Syndromes, Hereditary; Tumor predisposition; Hereditary neoplastic syndrome; Hereditary Cancer Syndrome. Identifiers: Orphanet 140162, MedGen C0027672, MeSH D009386, MONDO:0015356.

Submission:

Ambry Genetics
Classification: Uncertain significance for Hereditary cancer-predisposing syndrome. Last evaluated: 2022-11-16. Review status: criteria provided, single submitter. Criteria: Ambry Variant Classification Scheme 2023. Collection method: clinical testing. Allele origin: germline.
Comment: The p.K1372R variant (also known as c.4115A>G), located in coding exon 21 of the BLM gene, results from an A to G substitution at nucleotide position 4115. The lysine at codon 1372 is replaced by arginine, an amino acid with highly similar properties. This amino acid position is conserved. In addition, this alteration is predicted to be tolerated by in silico analysis. Since supporting evidence is limited at this time, the clinical significance of this alteration remains unclear.